The following is an entry in ClinVar:

ClinVar aggregate classification (germline): Conflicting classifications of pathogenicity. Review status: criteria provided, conflicting classifications (1 of 4 stars). 3 submissions from 3 submitters: Uncertain significance (1); Likely benign (1). 1 of the submissions does not count toward it. Last evaluated 2025-11-12.

Conditions:
Cardiovascular phenotype. Identifiers: MedGen CN230736.
Glycogen storage disease, type II (IOPD). Also called: Glucosidase acid-1,4-alpha deficiency; Pompe Disease; POMPE DISEASE, INFANTILE-ONSET; GLYCOGEN STORAGE DISEASE II, INFANTILE-ONSET; ACID ALPHA-GLUCOSIDASE DEFICIENCY, INFANTILE-ONSET; GAA DEFICIENCY, INFANTILE-ONSET. Identifiers: Orphanet 365, MedGen C0017921, MONDO:0009290, OMIM 232300.

Allele frequency attached by ClinVar (database versions not stated): 1000 Genomes Project 0.00060; 1000 Genomes Project 30x 0.00062.
gnomAD v4.1: 183 of 1,613,710 alleles (0.011%); highest among the groups gnomAD compares: South Asian, 0.19%; 1 homozygote.

Submissions (3):

Labcorp Genetics (formerly Invitae), Labcorp
Classification: Likely benign for Glycogen storage disease, type II. Last evaluated: 2025-11-12. Review status: criteria provided, single submitter. Criteria: Invitae Variant Classification Sherloc (09022015). Collection method: clinical testing. Allele origin: germline.

Ambry Genetics
Classification: Uncertain significance for Cardiovascular phenotype. Last evaluated: 2025-10-23. Review status: criteria provided, single submitter. Criteria: Ambry Variant Classification Scheme 2023. Collection method: clinical testing. Allele origin: germline.
Comment: The p.T739S variant (also known as c.2215A>T), located in coding exon 15 of the GAA gene, results from an A to T substitution at nucleotide position 2215. The threonine at codon 739 is replaced by serine, an amino acid with similar properties. This amino acid position is conserved. In addition, this alteration is predicted to be tolerated by in silico analysis. Since supporting evidence is limited at this time, the clinical significance of this alteration remains unclear.

Natera, Inc.
Classification: Likely benign for Glycogen storage disease type II. Last evaluated: 2019-10-28. Review status: no assertion criteria provided. Collection method: clinical testing. Allele origin: germline. Not counted in ClinVar's aggregate classification.

NM_000152.5(GAA):c.2215A>T (p.Thr739Ser)

Gene: GAA (alpha glucosidase; plus strand). Cytogenetic location: 17q25.3.
Variant type: single nucleotide variant.
Coding change: c.2215A>T on transcript NM_000152.5 (MANE Select); coding-DNA position 2215, A replaced by T.
Protein change: p.Thr739Ser; replaces threonine 739 with serine.
Molecular consequence: missense variant.
Genome position (GRCh38, 1-based): chr17:80,116,993, A>T. VCF-style: chr17-80116993-A-T. GRCh37 (hg19) VCF-style: chr17-78090792-A-T.
Other names: c.2215A>T (LRG_673t1); c.2215A>T, p.Thr739Ser (NM_001079803.3, NM_001079804.3); short protein forms T739S.
Identifiers: ClinVar variation 456394 (VCV000456394.16), dbSNP rs578245757, ClinGen allele CA8815657.